The following is an entry in ClinVar:

NM_153460.4(IL17RC):c.376G>A (p.Val126Met)

Gene: IL17RC (interleukin 17 receptor C; plus strand). Cytogenetic location: 3p25.3.
Variant type: single nucleotide variant.
Coding change: c.376G>A on transcript NM_153460.4 (MANE Select); coding-DNA position 376, G replaced by A.
Protein change: p.Val126Met; replaces valine 126 with methionine.
Molecular consequence: missense variant. On other transcripts: non-coding transcript variant (1).
Genome position (GRCh38, 1-based): chr3:9,918,520, G>A. VCF-style: chr3-9918520-G-A. GRCh37 (hg19) VCF-style: chr3-9960204-G-A.
Other names: c.376G>A, p.Val126Met (NM_001203263.2, NM_001203264.2, NM_001203265.2 and 3 more transcripts); c.301G>A, p.Val101Met (NM_001367279.1); c.589G>A, p.Val197Met (NM_153461.4); short protein forms V197M, V101M, V126M.
Identifiers: ClinVar variation 643162 (VCV000643162.7), dbSNP rs1460510963, ClinGen allele CA351755931.
Genomic context (GRCh38, chr3:9,918,520, plus strand): 5'-CGCTCCTGGGCCTGACTGACCCCTGCCCTGTTGCCCACAGCCTCTCTCCAGGCCCAAGTC[G>A]TGCTCTCCTTCCAGGCCTACCCTACTGCCCGCTGCGTCCTGCTGGAGGTGCAAGTGCCTG-3'
Protein context (NP_703190.2, residues 116-136): PRNASLQAQV[Val126Met]LSFQAYPTAR

ClinVar aggregate classification (germline): Uncertain significance. Review status: criteria provided, multiple submitters, no conflicts (2 of 4 stars). 2 submissions from 2 submitters: Uncertain significance (2). Last evaluated 2026-01-27.

Conditions:
Candidiasis, familial, 9 (CANDF9). Identifiers: Orphanet 1334, MedGen C4225324, MONDO:0014642, OMIM 616445.

Allele frequency attached by ClinVar (database versions not stated): gnomAD exomes 0.00001; TOPMed 0.00001; gnomAD 0.00002.
gnomAD v4.1: 22 of 1,613,994 alleles (0.0014%); highest among the groups gnomAD compares: Non-Finnish European, 0.0018%; no homozygotes.

Submissions (2):

Labcorp Genetics (formerly Invitae), Labcorp
Classification: Uncertain significance for Candidiasis, familial, 9. Last evaluated: 2026-01-27. Review status: criteria provided, single submitter. Criteria: Invitae Variant Classification Sherloc (09022015). Collection method: clinical testing. Allele origin: germline.
Comment: This sequence change replaces valine, which is neutral and non-polar, with methionine, which is neutral and non-polar, at codon 197 of the IL17RC protein (p.Val197Met). This variant is present in population databases (no rsID available, gnomAD 0.002%). This variant has not been reported in the literature in individuals affected with IL17RC-related conditions. ClinVar contains an entry for this variant (Variation ID: 643162). An algorithm developed to predict the effect of missense changes on protein structure and function (PolyPhen-2) suggests that this variant is likely to be disruptive. In summary, the available evidence is currently insufficient to determine the role of this variant in disease. Therefore, it has been classified as a Variant of Uncertain Significance.

Ambry Genetics
Classification: Uncertain significance. Last evaluated: 2023-02-23. Review status: criteria provided, single submitter. Criteria: Ambry Variant Classification Scheme 2023. Collection method: clinical testing. Allele origin: germline.